The following is an entry in ClinVar:

NM_001278116.2(L1CAM):c.3016G>A (p.Val1006Ile)

Gene: L1CAM (L1 cell adhesion molecule; minus strand). Cytogenetic location: Xq28.
Variant type: single nucleotide variant.
Coding change: c.3016G>A on transcript NM_001278116.2 (MANE Select); coding-DNA position 3016, G replaced by A.
Protein change: p.Val1006Ile; replaces valine 1006 with isoleucine.
Molecular consequence: missense variant.
Genome position (GRCh38, 1-based): chrX:153,864,851, C>T on the plus strand (G>A on the coding strand, the complement: L1CAM is on the minus strand). VCF-style: chrX-153864851-C-T. GRCh37 (hg19) VCF-style: chrX-153130306-C-T.
Other names: c.3016G>A (NM_000425.4); c.3016G>A, p.Val1006Ile (NM_000425.5, NM_024003.3); c.3001G>A, p.Val1001Ile (NM_001143963.2); short protein forms V1001I, V1006I.
Identifiers: ClinVar variation 986172 (VCV000986172.8), dbSNP rs201128366, ClinGen allele CA10554046.

ClinVar aggregate classification (germline): Conflicting classifications of pathogenicity. Review status: criteria provided, conflicting classifications (1 of 4 stars). 3 submissions from 3 submitters: Uncertain significance (1); Likely benign (1). 1 of the submissions does not count toward it. Last evaluated 2025-03-21.

Conditions:
L1CAM-related disorder. Also called: L1CAM-related condition.
Inborn genetic diseases. Identifiers: MedGen C0950123, MeSH D030342.
Spastic paraplegia. Identifiers: MedGen C0037772, HP:0001258.

Allele frequency attached by ClinVar (database versions not stated): ExAC 0.00001; TOPMed 0.00001; gnomAD 0.00004.
gnomAD v4.1: 7 of 1,211,216 alleles (0.00058%); highest among the groups gnomAD compares: African/African-American, 0.0069%; no homozygotes.

Submissions (3):

Labcorp Genetics (formerly Invitae), Labcorp
Classification: Likely benign for Spastic paraplegia. Last evaluated: 2025-03-21. Review status: criteria provided, single submitter. Criteria: Invitae Variant Classification Sherloc (09022015). Collection method: clinical testing. Allele origin: germline.

Ambry Genetics
Classification: Uncertain significance for Inborn genetic diseases. Last evaluated: 2019-07-25. Review status: criteria provided, single submitter. Criteria: Ambry Variant Classification Scheme 2023. Collection method: clinical testing. Allele origin: germline.
Comment: The p.V1006I variant (also known as c.3016G>A), located in coding exon 22 of the L1CAM gene, results from a G to A substitution at nucleotide position 3016. The valine at codon 1006 is replaced by isoleucine, an amino acid with highly similar properties. This amino acid position is well conserved in available vertebrate species. In addition, this alteration is predicted to be tolerated by in silico analysis. Since supporting evidence is limited at this time, the clinical significance of this alteration remains unclear.

PreventionGenetics, part of Exact Sciences
Classification: Uncertain significance for L1CAM-related condition. Last evaluated: 2024-03-19. Review status: no assertion criteria provided. Collection method: clinical testing. Allele origin: germline. Not counted in ClinVar's aggregate classification.
Comment: The L1CAM c.3016G>A variant is predicted to result in the amino acid substitution p.Val1006Ile. To our knowledge, this variant has not been reported in the literature. This variant is reported in 0.0052% of alleles in individuals of African descent in gnomAD. At this time, the clinical significance of this variant is uncertain due to the absence of conclusive functional and genetic evidence.